The following is an entry in ClinVar:

ClinVar aggregate classification (germline): Uncertain significance. Review status: criteria provided, multiple submitters, no conflicts (2 of 4 stars). 2 submissions from 2 submitters: Uncertain significance (2). Last evaluated 2025-11-24.

Conditions:
Galactosylceramide beta-galactosidase deficiency. Also called: Krabbe Disease; GALACTOCEREBROSIDASE DEFICIENCY; GALC DEFICIENCY; GLOBOID CELL LEUKOENCEPHALOPATHY; Leukodystrophy, Globoid Cell. Identifiers: Orphanet 487, MedGen C0023521, MONDO:0009499, OMIM 245200.

Allele frequency attached by ClinVar (database versions not stated): TOPMed 0.00001; gnomAD exomes 0.00002.
gnomAD v4.1: 12 of 1,556,016 alleles (0.00077%); highest among the groups gnomAD compares: Middle Eastern, 0.02%; no homozygotes.

Submissions (2):

Labcorp Genetics (formerly Invitae), Labcorp
Classification: Uncertain significance for Galactosylceramide beta-galactosidase deficiency. Last evaluated: 2025-11-24. Review status: criteria provided, single submitter. Criteria: Invitae Variant Classification Sherloc (09022015). Collection method: clinical testing. Allele origin: germline.
Comment: This sequence change replaces glycine, which is neutral and non-polar, with alanine, which is neutral and non-polar, at codon 41 of the GALC protein (p.Gly41Ala). This variant is present in population databases (no rsID available, gnomAD 0.005%). This variant has not been reported in the literature in individuals affected with GALC-related conditions. ClinVar contains an entry for this variant (Variation ID: 1199278). Invitae Evidence Modeling of protein sequence and biophysical properties (such as structural, functional, and spatial information, amino acid conservation, physicochemical variation, residue mobility, and thermodynamic stability) indicates that this missense variant is not expected to disrupt GALC protein function with a negative predictive value of 95%. In summary, the available evidence is currently insufficient to determine the role of this variant in disease. Therefore, it has been classified as a Variant of Uncertain Significance.

Genome-Nilou Lab
Classification: Uncertain significance for Galactosylceramide beta-galactosidase deficiency. Last evaluated: 2021-07-14. Review status: criteria provided, single submitter. Criteria: ACMG Guidelines, 2015. Collection method: clinical testing. Allele origin: germline. Affected: no.

NM_000153.4(GALC):c.122G>C (p.Gly41Ala)

Gene: GALC (galactosylceramidase; minus strand). Cytogenetic location: 14q31.3.
Variant type: single nucleotide variant.
Coding change: c.122G>C on transcript NM_000153.4 (MANE Select); coding-DNA position 122, G replaced by C.
Protein change: p.Gly41Ala; replaces glycine 41 with alanine.
Molecular consequence: missense variant. On other transcripts: intron variant (1).
Genome position (GRCh38, 1-based): chr14:87,993,043, C>G on the plus strand (G>C on the coding strand, the complement: GALC is on the minus strand). VCF-style: chr14-87993043-C-G. GRCh37 (hg19) VCF-style: chr14-88459387-C-G.
Other names: c.122G>C, p.Gly41Ala (NM_001201401.2); c.117+340G>C (NM_001201402.2); short protein forms G41A.
Identifiers: ClinVar variation 1199278 (VCV001199278.5), dbSNP rs1287272360, ClinGen allele CA390771793.
Genomic context (GRCh38, chr14:87,993,043, plus strand): 5'-ACCGCGCCGATGCCGTCGAACTCCCGGCCCAGCCCGTCGGAGTCGTCGAGCACGTACGCG[C>G]CGCCGGGCGCCAGCAGCGCACACAGCAGCAAGGGCACCGCGGCGCGGCCCGCCGAACCCG-3'
Protein context (NP_000144.2, residues 31-51): LLLCALLAPG[Gly41Ala]AYVLDDSDGL